The following is an entry in ClinVar:

ClinVar aggregate classification (germline): Uncertain significance. Review status: criteria provided, multiple submitters, no conflicts (2 of 4 stars). 2 submissions from 2 submitters: Uncertain significance (2). Last evaluated 2024-06-06.

Conditions:
Mitochondrial complex II deficiency, nuclear type 1. Also called: SUCCINATE CoQ REDUCTASE DEFICIENCY. Identifiers: Orphanet 3208, MedGen C5700310, MONDO:0100294, OMIM 252011.
Pheochromocytoma/paraganglioma syndrome 5. Also called: Paragangliomas 5; SDHA-Related Hereditary Paraganglioma-Pheochromocytoma Syndrome. Identifiers: Orphanet 29072, MedGen C3279992, MONDO:0013602, OMIM 614165.
Hereditary cancer-predisposing syndrome. Also called: Tumor predisposition; Hereditary Cancer Syndrome; Neoplastic Syndromes, Hereditary; Hereditary neoplastic syndrome. Identifiers: Orphanet 140162, MedGen C0027672, MeSH D009386, MONDO:0015356.

Allele frequency attached by ClinVar (database versions not stated): gnomAD exomes below 0.00001.
gnomAD v4.1: 2 of 1,613,762 alleles (0.00012%); highest among the groups gnomAD compares: Non-Finnish European, 0.00017%; no homozygotes.

Submissions (2):

Labcorp Genetics (formerly Invitae), Labcorp
Classification: Uncertain significance for Pheochromocytoma/paraganglioma syndrome 5; Mitochondrial complex II deficiency, nuclear type 1. Last evaluated: 2024-06-06. Review status: criteria provided, single submitter. Criteria: Invitae Variant Classification Sherloc (09022015). Collection method: clinical testing. Allele origin: germline.
Comment: This sequence change replaces lysine, which is basic and polar, with arginine, which is basic and polar, at codon 128 of the SDHA protein (p.Lys128Arg). This variant is present in population databases (no rsID available, gnomAD 0.0009%). This variant has not been reported in the literature in individuals affected with SDHA-related conditions. Advanced modeling of protein sequence and biophysical properties (such as structural, functional, and spatial information, amino acid conservation, physicochemical variation, residue mobility, and thermodynamic stability) has been performed at Invitae for this missense variant, however the output from this modeling did not meet the statistical confidence thresholds required to predict the impact of this variant on SDHA protein function. In summary, the available evidence is currently insufficient to determine the role of this variant in disease. Therefore, it has been classified as a Variant of Uncertain Significance.

Ambry Genetics
Classification: Uncertain significance for Hereditary cancer-predisposing syndrome. Last evaluated: 2023-10-24. Review status: criteria provided, single submitter. Criteria: Ambry Variant Classification Scheme 2023. Collection method: clinical testing. Allele origin: germline.
Comment: The p.K128R variant (also known as c.383A>G), located in coding exon 4 of the SDHA gene, results from an A to G substitution at nucleotide position 383. The lysine at codon 128 is replaced by arginine, an amino acid with highly similar properties. This amino acid position is highly conserved in available vertebrate species. In addition, the in silico prediction for this alteration is inconclusive. Since supporting evidence is limited at this time, the clinical significance of this alteration remains unclear.

NM_004168.4(SDHA):c.383A>G (p.Lys128Arg)

Gene: SDHA (succinate dehydrogenase complex flavoprotein subunit A; plus strand). Cytogenetic location: 5p15.33.
Variant type: single nucleotide variant.
Coding change: c.383A>G on transcript NM_004168.4 (MANE Select); coding-DNA position 383, A replaced by G.
Protein change: p.Lys128Arg; replaces lysine 128 with arginine.
Molecular consequence: missense variant. On other transcripts: intron variant (1).
Genome position (GRCh38, 1-based): chr5:225,489, A>G. VCF-style: chr5-225489-A-G. GRCh37 (hg19) VCF-style: chr5-225604-A-G.
Other names: c.383A>G, p.Lys128Arg (NM_001330758.2); c.313-394A>G (NM_001294332.2); short protein forms K128R.
Identifiers: ClinVar variation 3223744 (VCV003223744.3), dbSNP rs1392275932, ClinGen allele CA359009416.
Genomic context (GRCh38, chr5:225,489, plus strand): 5'-ATGCTGCTCTGGGGAACATGGAGGAGGACAACTGGAGGTGGCATTTCTACGACACCGTGA[A>G]GGGCTCCGACTGGCTGGGGGACCAGGATGCCATCCACTACATGACGGAGCAGGCCCCCGC-3'
Protein context (NP_004159.2, residues 118-138): NWRWHFYDTV[Lys128Arg]GSDWLGDQDA